The following is an entry in ClinVar:

NM_000576.3(IL1B):c.309C>A (p.Ile103=)

Gene: IL1B (interleukin 1 beta; minus strand). Cytogenetic location: 2q14.1.
Variant type: single nucleotide variant.
Coding change: c.309C>A on transcript NM_000576.3 (MANE Select); coding-DNA position 309, C replaced by A.
Protein change: p.Ile103=; no amino-acid change (isoleucine 103 retained).
Molecular consequence: synonymous variant.
Genome position (GRCh38, 1-based): chr2:112,832,819, G>T on the plus strand (C>A on the coding strand, the complement: IL1B is on the minus strand). VCF-style: chr2-112832819-G-T. GRCh37 (hg19) VCF-style: chr2-113590396-G-T.
Identifiers: ClinVar variation 2651287 (VCV002651287.24), dbSNP rs1682013606, ClinGen allele CA428299784.

ClinVar aggregate classification (germline): Likely benign (1 of 4 stars; one submission).

Allele frequency attached by ClinVar (database versions not stated): TOPMed below 0.00001; gnomAD 0.00001.
gnomAD v4.1: 1 of 1,614,062 alleles (0.000062%); highest among the groups gnomAD compares: Non-Finnish European, 0.000085%; no homozygotes.

Submission:

CeGaT Center for Human Genetics Tuebingen
Classification: Likely benign. Last evaluated: 2022-05-01. Review status: criteria provided, single submitter. Criteria: CeGaT Center For Human Genetics Tuebingen Variant Classification Criteria Version 2. Collection method: clinical testing. Allele origin: germline. Affected: yes. Observed: 1 variant allele.
Comment: IL1B: BP4, BP7